The following is an entry in ClinVar:

ClinVar aggregate classification (germline): Conflicting classifications of pathogenicity. Review status: criteria provided, conflicting classifications (1 of 4 stars). 4 submissions from 4 submitters: Uncertain significance (3); Likely benign (1). Last evaluated 2025-11-19.

Conditions:
Isolated focal cortical dysplasia type II (FCORD2). Also called: Focal cortical dysplasia type II; CORTICAL DYSPLASIA OF TAYLOR. Identifiers: Orphanet 268994, MedGen C1846385, MONDO:0011818, OMIM 607341, HP:0032051.
Lymphangiomyomatosis (LAM). Also called: Lymphangioleiomyomatosis; Lymphangioleiomyomatosis, somatic. Identifiers: Orphanet 538, MedGen C0751674, MONDO:0011705, OMIM 606690.
Tuberous sclerosis 2 (TSC2). Identifiers: Orphanet 805, MedGen C1860707, MONDO:0013199, OMIM 613254.
Hereditary cancer-predisposing syndrome. Also called: Hereditary neoplastic syndrome; Tumor predisposition; Hereditary Cancer Syndrome; Neoplastic Syndromes, Hereditary. Identifiers: Orphanet 140162, MedGen C0027672, MeSH D009386, MONDO:0015356.
Tuberous sclerosis syndrome (TSC). Also called: Tuberous Sclerosis Complex; Tuberous sclerosis. Identifiers: Orphanet 805, MedGen C0041341, MONDO:0001734.

Allele frequency attached by ClinVar (database versions not stated): gnomAD exomes below 0.00001; TOPMed below 0.00001; gnomAD 0.00001.

Submissions (4):

Labcorp Genetics (formerly Invitae), Labcorp
Classification: Likely benign for Tuberous sclerosis 2. Last evaluated: 2025-11-19. Review status: criteria provided, single submitter. Criteria: Invitae Variant Classification Sherloc (09022015). Collection method: clinical testing. Allele origin: germline.

Ambry Genetics
Classification: Uncertain significance for Hereditary cancer-predisposing syndrome. Last evaluated: 2024-08-23. Review status: criteria provided, single submitter. Criteria: Ambry Variant Classification Scheme 2023. Collection method: clinical testing. Allele origin: germline.
Comment: The p.A1722V variant (also known as c.5165C>T), located in coding exon 40 of the TSC2 gene, results from a C to T substitution at nucleotide position 5165. The alanine at codon 1722 is replaced by valine, an amino acid with similar properties. This amino acid position is highly conserved in available vertebrate species. In addition, this alteration is predicted to be deleterious by in silico analysis. Based on the available evidence, the clinical significance of this variant remains unclear.

All of Us Research Program, National Institutes of Health
Classification: Uncertain significance for Tuberous sclerosis syndrome. Last evaluated: 2024-05-14. Review status: criteria provided, single submitter. Criteria: ACMG Guidelines, 2015. Collection method: clinical testing. Allele origin: germline. Inheritance: Autosomal dominant inheritance. Observed: 1 variant allele, 1 heterozygote.
Comment: This missense variant replaces alanine with valine at codon 1722 of the TSC2 protein. Computational prediction suggests that this variant may have deleterious impact on protein structure and function (internally defined REVEL score threshold >= 0.7, PMID: 27666373). To our knowledge, functional studies have not been reported for this variant. This variant has not been reported in individuals affected with TSC2-related disorders in the literature. This variant has been identified in 1/250750 chromosomes in the general population by the Genome Aggregation Database (gnomAD). The available evidence is insufficient to determine the role of this variant in disease conclusively. Therefore, this variant is classified as a Variant of Uncertain Significance.

This study involves interpretation of variants in research participants for the purpose of population health screening. Participant phenotype was not available at the time of variant classification. Additional details can be found in publication PMID: 35346344, PMCID: PMC8962531

Fulgent Genetics
Classification: Uncertain significance for Lymphangiomyomatosis; Isolated focal cortical dysplasia type II; Tuberous sclerosis 2. Last evaluated: 2021-12-20. Review status: criteria provided, single submitter. Criteria: ACMG Guidelines, 2015. Collection method: clinical testing. Allele origin: unknown.

NM_000548.5(TSC2):c.5165C>T (p.Ala1722Val)

Gene: TSC2 (TSC complex subunit 2; plus strand). Cytogenetic location: 16p13.3.
Variant type: single nucleotide variant.
Coding change: c.5165C>T on transcript NM_000548.5 (MANE Select); coding-DNA position 5165, C replaced by T.
Protein change: p.Ala1722Val; replaces alanine 1722 with valine.
Molecular consequence: missense variant. On other transcripts: intron variant (1).
Genome position (GRCh38, 1-based): chr16:2,088,231, C>T. VCF-style: chr16-2088231-C-T. GRCh37 (hg19) VCF-style: chr16-2138232-C-T.
Other names: c.4964C>T, p.Ala1655Val (NM_001077183.3); c.5096C>T, p.Ala1699Val (NM_001114382.3); c.4856C>T, p.Ala1619Val (NM_001318827.2); c.4820C>T, p.Ala1607Val (NM_001318829.2); c.4433C>T, p.Ala1478Val (NM_001318831.2); c.4997C>T, p.Ala1666Val (NM_001318832.2); c.4967C>T, p.Ala1656Val (NM_001363528.2); c.5033C>T, p.Ala1678Val (NM_001370404.1); and 2 more; short protein forms A1722V, A1655V, A1678V, A1619V, A1607V, A1478V, A1656V, A1666V.
Identifiers: ClinVar variation 578447 (VCV000578447.16), dbSNP rs1373235682, ClinGen allele CA394313865.